The following is an entry in ClinVar:

NM_003632.3(CNTNAP1):c.2581C>G (p.Leu861Val)

Gene: CNTNAP1 (contactin associated protein 1; plus strand). Cytogenetic location: 17q21.2.
Variant type: single nucleotide variant.
Coding change: c.2581C>G on transcript NM_003632.3 (MANE Select); coding-DNA position 2581, C replaced by G.
Protein change: p.Leu861Val; replaces leucine 861 with valine.
Molecular consequence: missense variant.
Genome position (GRCh38, 1-based): chr17:42,692,549, C>G. VCF-style: chr17-42692549-C-G. GRCh37 (hg19) VCF-style: chr17-40844567-C-G.
Other names: short protein forms L861V.
Identifiers: ClinVar variation 2160687 (VCV002160687.4), dbSNP rs1193628928, ClinGen allele CA399648634.

ClinVar aggregate classification (germline): Uncertain significance (1 of 4 stars; one submission).

gnomAD v4.1: 8 of 1,614,190 alleles (0.0005%); highest among the groups gnomAD compares: Non-Finnish European, 0.00068%; no homozygotes.

Submission:

Labcorp Genetics (formerly Invitae), Labcorp
Classification: Uncertain significance. Last evaluated: 2024-04-30. Review status: criteria provided, single submitter. Criteria: Invitae Variant Classification Sherloc (09022015). Collection method: clinical testing. Allele origin: germline.
Comment: This sequence change replaces leucine, which is neutral and non-polar, with valine, which is neutral and non-polar, at codon 861 of the CNTNAP1 protein (p.Leu861Val). This variant is present in population databases (no rsID available, gnomAD 0.0009%). This variant has not been reported in the literature in individuals affected with CNTNAP1-related conditions. ClinVar contains an entry for this variant (Variation ID: 2160687). An algorithm developed to predict the effect of missense changes on protein structure and function (PolyPhen-2) suggests that this variant is likely to be tolerated. In summary, the available evidence is currently insufficient to determine the role of this variant in disease. Therefore, it has been classified as a Variant of Uncertain Significance.